The following is an entry in ClinVar:

NM_004766.3(COPB2):c.2483C>T (p.Thr828Met)

Gene: COPB2 (coat protein complex I subunit beta 2; minus strand). Cytogenetic location: 3q23.
Variant type: single nucleotide variant.
Coding change: c.2483C>T on transcript NM_004766.3 (MANE Select); coding-DNA position 2483, C replaced by T.
Protein change: p.Thr828Met; replaces threonine 828 with methionine.
Molecular consequence: missense variant. On other transcripts: non-coding transcript variant (1).
Genome position (GRCh38, 1-based): chr3:139,358,999, G>A on the plus strand (C>T on the coding strand, the complement: COPB2 is on the minus strand). VCF-style: chr3-139358999-G-A. GRCh37 (hg19) VCF-style: chr3-139077841-G-A.
Other names: short protein forms T828M.
Identifiers: ClinVar variation 1519322 (VCV001519322.6), dbSNP rs771858891, ClinGen allele CA2641051.

ClinVar aggregate classification (germline): Uncertain significance (1 of 4 stars; one submission).

Allele frequency attached by ClinVar (database versions not stated): gnomAD 0.00001; ExAC 0.00002; gnomAD exomes 0.00002; TOPMed 0.00003.
gnomAD v4.1: 19 of 1,610,946 alleles (0.0012%); highest among the groups gnomAD compares: South Asian, 0.0033%; no homozygotes.

Submission:

Labcorp Genetics (formerly Invitae), Labcorp
Classification: Uncertain significance. Last evaluated: 2024-10-08. Review status: criteria provided, single submitter. Criteria: Invitae Variant Classification Sherloc (09022015). Collection method: clinical testing. Allele origin: germline.
Comment: This sequence change replaces threonine, which is neutral and polar, with methionine, which is neutral and non-polar, at codon 828 of the COPB2 protein (p.Thr828Met). This variant is present in population databases (rs771858891, gnomAD 0.007%). This variant has not been reported in the literature in individuals affected with COPB2-related conditions. ClinVar contains an entry for this variant (Variation ID: 1519322). An algorithm developed to predict the effect of missense changes on protein structure and function (PolyPhen-2) suggests that this variant is likely to be tolerated. In summary, the available evidence is currently insufficient to determine the role of this variant in disease. Therefore, it has been classified as a Variant of Uncertain Significance.